The following is an entry in ClinVar:

NM_000540.3(RYR1):c.14414A>G (p.Tyr4805Cys)

Gene: RYR1 (ryanodine receptor 1; plus strand). Cytogenetic location: 19q13.2.
Variant type: single nucleotide variant.
Coding change: c.14414A>G on transcript NM_000540.3 (MANE Select); coding-DNA position 14414, A replaced by G.
Protein change: p.Tyr4805Cys; replaces tyrosine 4805 with cysteine.
Molecular consequence: missense variant.
Genome position (GRCh38, 1-based): chr19:38,580,031, A>G. VCF-style: chr19-38580031-A-G. GRCh37 (hg19) VCF-style: chr19-39070671-A-G.
Other names: c.14399A>G, p.Tyr4800Cys (NM_001042723.2); short protein forms Y4805C, Y4800C.
Identifiers: ClinVar variation 1043068 (VCV001043068.6), dbSNP rs1248772829, ClinGen allele CA405687014.

ClinVar aggregate classification (germline): Uncertain significance (1 of 4 stars; one submission).

Conditions:
RYR1-related disorder. Also called: RYR1-related condition; RYR1-related disorders. Identifiers: MedGen CN239331.

Allele frequency attached by ClinVar (database versions not stated): gnomAD exomes below 0.00001.
gnomAD v4.1: 1 of 1,614,110 alleles (0.000062%); highest among the groups gnomAD compares: Admixed American, 0.0017%; no homozygotes.

Submission:

Labcorp Genetics (formerly Invitae), Labcorp
Classification: Uncertain significance for RYR1-related disorder. Last evaluated: 2021-08-26. Review status: criteria provided, single submitter. Criteria: Invitae Variant Classification Sherloc (09022015). Collection method: clinical testing. Allele origin: germline.
Comment: This sequence change replaces tyrosine with cysteine at codon 4805 of the RYR1 protein (p.Tyr4805Cys). The tyrosine residue is highly conserved and there is a large physicochemical difference between tyrosine and cysteine. This variant is not present in population databases (ExAC no frequency). This variant has not been reported in the literature in individuals affected with RYR1-related conditions. Algorithms developed to predict the effect of missense changes on protein structure and function are either unavailable or do not agree on the potential impact of this missense change (SIFT: "Deleterious"; PolyPhen-2: "Benign"; Align-GVGD: "Class C0"). In summary, the available evidence is currently insufficient to determine the role of this variant in disease. Therefore, it has been classified as a Variant of Uncertain Significance.